The following is an entry in ClinVar:

ClinVar aggregate classification (germline): Uncertain significance. Review status: criteria provided, multiple submitters, no conflicts (2 of 4 stars). 2 submissions from 2 submitters: Uncertain significance (2). Last evaluated 2025-01-21.

Conditions:
Inborn genetic diseases. Identifiers: MedGen C0950123, MeSH D030342.

gnomAD v4.1: 9 of 1,613,924 alleles (0.00056%); highest among the groups gnomAD compares: Non-Finnish European, 0.00076%; no homozygotes.

Submissions (2):

Mayo Clinic Laboratories, Mayo Clinic
Classification: Uncertain significance. Last evaluated: 2025-01-21. Review status: criteria provided, single submitter. Criteria: ACMG Guidelines, 2015. Collection method: clinical testing. Allele origin: germline. Observed: 2 variant alleles.
Comment: BP4, PM2_supporting

Ambry Genetics
Classification: Uncertain significance for Inborn genetic diseases. Last evaluated: 2024-08-01. Review status: criteria provided, single submitter. Criteria: Ambry Variant Classification Scheme 2023. Collection method: clinical testing. Allele origin: germline.

NM_001198800.3(ASCC1):c.913A>G (p.Ile305Val)

Gene: ASCC1 (activating signal cointegrator 1 complex subunit 1; minus strand). Cytogenetic location: 10q22.1.
Variant type: single nucleotide variant.
Coding change: c.913A>G on transcript NM_001198800.3 (MANE Select); coding-DNA position 913, A replaced by G.
Protein change: p.Ile305Val; replaces isoleucine 305 with valine.
Molecular consequence: missense variant. On other transcripts: non-coding transcript variant (1), intron variant (3).
Genome position (GRCh38, 1-based): chr10:72,128,126, T>C on the plus strand (A>G on the coding strand, the complement: ASCC1 is on the minus strand). VCF-style: chr10-72128126-T-C. GRCh37 (hg19) VCF-style: chr10-73887884-T-C.
Other names: p.Ile305Val; c.979A>G, p.Ile327Val (NM_001369086.1, NM_001369085.1); c.913A>G, p.Ile305Val (NM_001369087.1, NM_001369088.1, NM_001369089.1 and 10 more transcripts); c.793A>G, p.Ile265Val (NM_001369103.1, NM_001369104.1, NM_001369108.1 and 2 more transcripts); c.796A>G, p.Ile266Val (NM_001369105.1, NM_001369106.1, NM_001369107.1 and 2 more transcripts); c.751+4931A>G (NM_001369112.1); c.871+4931A>G (NM_001369110.1, NM_001369111.1); c.859A>G, p.Ile287Val (NM_001369099.1); and 2 more; short protein forms I265V, I266V, I287V, I305V, I327V, I333V.
Identifiers: ClinVar variation 3379971 (VCV003379971.3).
Genomic context (GRCh38, chr10:72,128,126, plus strand): 5'-TCTGCTTCATACTGACCTTTAAAATATTTCGGCCATCAAATGATTCTCTTTCCTTGAAGA[T>C]ATATTTGCCTTCCGCTGTGTAGAGATTGTACCTGCCTTCAGCTGTAAATATTCCAAAGAT-3'
Protein context (NP_001185729.1, residues 295-315): YNLYTAEGKY[Ile305Val]FKERESFDGR